The following is an entry in ClinVar:

NM_002691.4(POLD1):c.1268G>T (p.Arg423Leu)

Gene: POLD1 (DNA polymerase delta 1, catalytic subunit; plus strand). Cytogenetic location: 19q13.33.
Variant type: single nucleotide variant.
Coding change: c.1268G>T on transcript NM_002691.4 (MANE Select); coding-DNA position 1268, G replaced by T.
Protein change: p.Arg423Leu; replaces arginine 423 with leucine.
Molecular consequence: missense variant. On other transcripts: non-coding transcript variant (1).
Genome position (GRCh38, 1-based): chr19:50,406,207, G>T. VCF-style: chr19-50406207-G-T. GRCh37 (hg19) VCF-style: chr19-50909464-G-T.
Other names: c.1268G>T, p.Arg423Leu (NM_001256849.1, NM_001308632.1, NM_001438210.1 and 3 more transcripts); short protein forms R423L.
Identifiers: ClinVar variation 4844386 (VCV004844386.1).

ClinVar aggregate classification (germline): Uncertain significance (1 of 4 stars; one submission).

Conditions:
Hereditary cancer-predisposing syndrome. Also called: Neoplastic Syndromes, Hereditary; Tumor predisposition; Hereditary Cancer Syndrome; Hereditary neoplastic syndrome. Identifiers: Orphanet 140162, MedGen C0027672, MeSH D009386, MONDO:0015356.

Submission:

Ambry Genetics
Classification: Uncertain significance for Hereditary cancer-predisposing syndrome. Last evaluated: 2026-02-02. Review status: criteria provided, single submitter. Criteria: Ambry Variant Classification Scheme 2023. Collection method: clinical testing. Allele origin: germline.
Comment: The p.R423L variant (also known as c.1268G>T), located in coding exon 10 of the POLD1 gene, results from a G to T substitution at nucleotide position 1268. The arginine at codon 423 is replaced by leucine, an amino acid with dissimilar properties. This amino acid position is highly conserved in available vertebrate species. In addition, this alteration is predicted to be deleterious by in silico analysis. Based on the available evidence, the clinical significance of this variant remains unclear.